The following is an entry in ClinVar:

ClinVar aggregate classification (germline): Uncertain significance. Review status: criteria provided, multiple submitters, no conflicts (2 of 4 stars). 2 submissions from 2 submitters: Uncertain significance (2). Last evaluated 2021-10-15.

Conditions:
Walker-Warburg congenital muscular dystrophy. Also called: Muscular dystrophy-dystroglycanopathy, type A; Walker-Warburg syndrome. Identifiers: Orphanet 899, MedGen C0265221, MONDO:0000171.
Muscular dystrophy-dystroglycanopathy (congenital with impaired intellectual development), type B, 1. Also called: MUSCULAR DYSTROPHY, CONGENITAL, POMT1-RELATED; Muscular dystrophy-dystroglycanopathy (congenital with intellectual disability), type B1. Identifiers: MedGen C5436962, MONDO:0013159, OMIM 613155.
Autosomal recessive limb-girdle muscular dystrophy type 2K. Also called: MUSCULAR DYSTROPHY, LIMB-GIRDLE, TYPE 2K; MUSCULAR DYSTROPHY-DYSTROGLYCANOPATHY (LIMB-GIRDLE), TYPE C, 1. Identifiers: Orphanet 86812, MedGen C1836373, MONDO:0012248, OMIM 609308.

Allele frequency attached by ClinVar (database versions not stated): gnomAD exomes below 0.00001; TOPMed 0.00001; gnomAD 0.00003.
gnomAD v4.1: 6 of 1,613,802 alleles (0.00037%); highest among the groups gnomAD compares: African/African-American, 0.0067%; no homozygotes.

Submissions (2):

Labcorp Genetics (formerly Invitae), Labcorp
Classification: Uncertain significance for Muscular dystrophy-dystroglycanopathy (congenital with impaired intellectual development), type B, 1; Walker-Warburg congenital muscular dystrophy; Autosomal recessive limb-girdle muscular dystrophy type 2K. Last evaluated: 2021-10-15. Review status: criteria provided, single submitter. Criteria: Invitae Variant Classification Sherloc (09022015). Collection method: clinical testing. Allele origin: germline.
Comment: This sequence change falls in intron 14 of the POMT1 gene. It does not directly change the encoded amino acid sequence of the POMT1 protein. This variant is not present in population databases (ExAC no frequency). This variant has not been reported in the literature in individuals affected with POMT1-related conditions. Algorithms developed to predict the effect of sequence changes on RNA splicing suggest that this variant may create or strengthen a splice site. In summary, the available evidence is currently insufficient to determine the role of this variant in disease. Therefore, it has been classified as a Variant of Uncertain Significance.

GeneDx
Classification: Uncertain significance. Last evaluated: 2021-04-08. Review status: criteria provided, single submitter. Criteria: GeneDx Variant Classification Process June 2021. Collection method: clinical testing. Allele origin: germline. Affected: yes.
Comment: In silico analysis supports a deleterious effect on splicing; Has not been previously published as pathogenic or benign to our knowledge

NM_001077365.2(POMT1):c.1366-11G>A

Gene: POMT1 (protein O-mannosyltransferase 1; plus strand). Cytogenetic location: 9q34.13.
Variant type: single nucleotide variant.
Coding change: c.1366-11G>A on transcript NM_001077365.2 (MANE Select); 11 bases into the intron before coding-DNA position 1366, G replaced by A.
Molecular consequence: intron variant. On other transcripts: non-coding transcript variant (5).
Genome position (GRCh38, 1-based): chr9:131,518,826, G>A. VCF-style: chr9-131518826-G-A. GRCh37 (hg19) VCF-style: chr9-134394213-G-A.
Other names: c.1270-11G>A (NM_001353198.2, NM_001353197.2); c.1432-11G>A (NM_001353193.2, NM_007171.4); c.1366-11G>A (NM_001136113.2); c.1204-11G>A (NM_001353194.2, NM_001077366.2); c.1015-11G>A (NM_001374691.1, NM_001353195.2, NM_001374692.1 and 2 more transcripts); c.1365+289G>A (NM_001374690.1); c.1276-11G>A (NM_001353196.2); c.976-11G>A (NM_001374695.1); and 3 more.
Identifiers: ClinVar variation 1314364 (VCV001314364.4), dbSNP rs1157478556, ClinGen allele CA590946826.